The following is an entry in ClinVar:

ClinVar aggregate classification (germline): Uncertain significance. Review status: criteria provided, multiple submitters, no conflicts (2 of 4 stars). 3 submissions from 3 submitters: Uncertain significance (3). Last evaluated 2025-07-01.

Conditions:
Cardiomyopathy (CMYO). Also called: Cardiomyopathies. Identifiers: Orphanet 167848, MedGen C0878544, MONDO:0004994, HP:0001638. Inheritance: Various modes of inheritance.
Hypertrophic cardiomyopathy. Also called: HYPERTROPHIC MYOCARDIOPATHY. Identifiers: Orphanet 217569, MedGen C0007194, MeSH D002312, MONDO:0005045, HP:0001639.

Allele frequency attached by ClinVar (database versions not stated): gnomAD exomes 0.00001 and below 0.00001; TOPMed 0.00001.
gnomAD v4.1: 10 of 1,614,172 alleles (0.00062%); highest among the groups gnomAD compares: South Asian, 0.0022%; no homozygotes.

Submissions (3):

Color Diagnostics, LLC DBA Color Health
Classification: Uncertain significance for Cardiomyopathy. Last evaluated: 2025-07-01. Review status: criteria provided, single submitter. Criteria: ACMG Guidelines, 2015. Collection method: clinical testing. Allele origin: germline.
Comment: This missense variant replaces arginine with tryptophan at codon 138 of the MYL3 protein. Computational prediction suggests that this variant may have a deleterious impact on protein structure and function. To our knowledge, functional studies have not been reported for this variant. This variant has been reported in an individual affected with hypertrophic cardiomyopathy (PMID: 29875424). This variant has been identified in 1/251480 chromosomes in the general population by the Genome Aggregation Database (gnomAD). The available evidence is insufficient to determine the role of this variant in disease conclusively. Therefore, this variant is classified as a Variant of Uncertain Significance.

Labcorp Genetics (formerly Invitae), Labcorp
Classification: Uncertain significance for Hypertrophic cardiomyopathy. Last evaluated: 2024-11-28. Review status: criteria provided, single submitter. Criteria: Invitae Variant Classification Sherloc (09022015). Collection method: clinical testing. Allele origin: germline.
Comment: This sequence change replaces arginine, which is basic and polar, with tryptophan, which is neutral and slightly polar, at codon 138 of the MYL3 protein (p.Arg138Trp). This variant is present in population databases (no rsID available, gnomAD 0.004%). This missense change has been observed in individual(s) with hypertrophic cardiomyopathy (internal data). ClinVar contains an entry for this variant (Variation ID: 454398). An algorithm developed to predict the effect of missense changes on protein structure and function (PolyPhen-2) suggests that this variant is likely to be disruptive. In summary, the available evidence is currently insufficient to determine the role of this variant in disease. Therefore, it has been classified as a Variant of Uncertain Significance.

All of Us Research Program, National Institutes of Health
Classification: Uncertain significance for Hypertrophic cardiomyopathy. Last evaluated: 2023-11-30. Review status: criteria provided, single submitter. Criteria: ACMG Guidelines, 2015. Collection method: clinical testing. Allele origin: germline. Inheritance: Autosomal dominant inheritance. Observed: 3 variant alleles, 3 heterozygotes.
Comment: This missense variant replaces arginine with tryptophan at codon 138 of the MYL3 protein. Computational prediction suggests that this variant may have a deleterious impact on protein structure and function (internally defined REVEL score threshold >= 0.7, PMID: 27666373). To our knowledge, functional studies have not been reported for this variant. This variant has been reported in an individual affected with hypertrophic cardiomyopathy (PMID: 29875424). This variant has been identified in 1/251480 chromosomes in the general population by the Genome Aggregation Database (gnomAD). The available evidence is insufficient to determine the role of this variant in disease conclusively. Therefore, this variant is classified as a Variant of Uncertain Significance.

This study involves interpretation of variants in research participants for the purpose of population health screening. Participant phenotype was not available at the time of variant classification. Additional details can be found in publication PMID: 35346344, PMCID: PMC8962531

Literature cited by the submitters: PubMed 29875424 (cited by Color Diagnostics, LLC DBA Color Health and All of Us Research Program, National Institutes of Health).

NM_000258.3(MYL3):c.412C>T (p.Arg138Trp)

Gene: MYL3 (myosin light chain 3; minus strand). Cytogenetic location: 3p21.31.
Variant type: single nucleotide variant.
Coding change: c.412C>T on transcript NM_000258.3 (MANE Select); coding-DNA position 412, C replaced by T.
Protein change: p.Arg138Trp; replaces arginine 138 with tryptophan.
Molecular consequence: missense variant.
Genome position (GRCh38, 1-based): chr3:46,859,544, G>A on the plus strand (C>T on the coding strand, the complement: MYL3 is on the minus strand). VCF-style: chr3-46859544-G-A. GRCh37 (hg19) VCF-style: chr3-46901034-G-A.
Other names: short protein forms R138W.
Identifiers: ClinVar variation 454398 (VCV000454398.6), dbSNP rs1471322504, ClinGen allele CA352496124.